The following is an entry in ClinVar:

NM_153717.3(EVC):c.2520G>A (p.Thr840=)

Gene: EVC (EvC ciliary complex subunit 1; plus strand). Cytogenetic location: 4p16.2.
Variant type: single nucleotide variant.
Coding change: c.2520G>A on transcript NM_153717.3 (MANE Select); coding-DNA position 2520, G replaced by A.
Protein change: p.Thr840=; no amino-acid change (threonine 840 retained).
Molecular consequence: synonymous variant.
Genome position (GRCh38, 1-based): chr4:5,804,800, G>A. VCF-style: chr4-5804800-G-A. GRCh37 (hg19) VCF-style: chr4-5806527-G-A.
Other names: c.2520G>A, p.Thr840= (NM_001306090.2).
Identifiers: ClinVar variation 737867 (VCV000737867.25), dbSNP rs187406722, ClinGen allele CA2836556.

ClinVar aggregate classification (germline): Likely benign. Review status: criteria provided, multiple submitters, no conflicts (2 of 4 stars). 3 submissions from 3 submitters: Likely benign (2). 1 of the submissions does not count toward it. Last evaluated 2026-01-08.

Conditions:
Ellis-van Creveld syndrome (EVC). Also called: Chondroectodermal dysplasia; MESOECTODERMAL DYSPLASIA. Identifiers: Orphanet 289, MedGen C0013903, MONDO:0009162, OMIM 225500.
Curry-Hall syndrome (WAD). Also called: WEYERS ACRODENTAL DYSOSTOSIS. Identifiers: Orphanet 952, MedGen C0457013, MONDO:0008673, OMIM 193530.

Allele frequency attached by ClinVar (database versions not stated): gnomAD 0.00001; TOPMed 0.00001; ExAC 0.00004; gnomAD exomes 0.00006.
gnomAD v4.1: 21 of 1,614,010 alleles (0.0013%); highest among the groups gnomAD compares: South Asian, 0.016%; 1 homozygote.

Submissions (3):

Labcorp Genetics (formerly Invitae), Labcorp
Classification: Likely benign for Curry-Hall syndrome; Ellis-van Creveld syndrome. Last evaluated: 2026-01-08. Review status: criteria provided, single submitter. Criteria: Invitae Variant Classification Sherloc (09022015). Collection method: clinical testing. Allele origin: germline.

CeGaT Center for Human Genetics Tuebingen
Classification: Likely benign. Last evaluated: 2024-10-01. Review status: criteria provided, single submitter. Criteria: CeGaT Center For Human Genetics Tuebingen Variant Classification Criteria Version 2. Collection method: clinical testing. Allele origin: germline. Affected: yes. Observed: 1 variant allele.
Comment: EVC: BP4, BP7

Natera, Inc.
Classification: Likely benign for Ellis-van Creveld syndrome. Last evaluated: 2020-09-28. Review status: no assertion criteria provided. Collection method: clinical testing. Allele origin: germline. Not counted in ClinVar's aggregate classification.